The following is an entry in ClinVar:

NM_001367624.2(ZNF469):c.10328G>T (p.Gly3443Val)

Gene: ZNF469 (zinc finger protein 469; plus strand). Cytogenetic location: 16q24.2.
Variant type: single nucleotide variant.
Coding change: c.10328G>T on transcript NM_001367624.2 (MANE Select); coding-DNA position 10328, G replaced by T.
Protein change: p.Gly3443Val; replaces glycine 3443 with valine.
Molecular consequence: missense variant.
Genome position (GRCh38, 1-based): chr16:88,437,798, G>T. VCF-style: chr16-88437798-G-T. GRCh37 (hg19) VCF-style: chr16-88504206-G-T.
Other names: NM_001127464.1:c.10244G>T; NM_001127464.2:c.10244G>T; p.Gly3443Val; short protein forms G3443V.
Identifiers: ClinVar variation 321013 (VCV000321013.59), dbSNP rs140056980, ClinGen allele CA8225499.

ClinVar aggregate classification (germline): Conflicting classifications of pathogenicity. Review status: criteria provided, conflicting classifications (1 of 4 stars). 7 submissions from 7 submitters: Uncertain significance (1); Benign (5); Likely benign (1). Last evaluated 2026-04-06.

Conditions:
Cardiovascular phenotype. Identifiers: MedGen CN230736.
Ehlers-Danlos syndrome (EDS). Identifiers: Orphanet 98249, MedGen C0013720, MONDO:0020066.

Allele frequency attached by ClinVar (database versions not stated): 1000 Genomes Project 30x 0.01390; 1000 Genomes Project 0.01398; TOPMed 0.00337.
gnomAD v4.1: 2,081 of 1,546,100 alleles (0.13%); highest among the groups gnomAD compares: East Asian, 3%; 47 homozygotes.

Submissions (7):

Women's Health and Genetics/Laboratory Corporation of America, LabCorp
Classification: Likely benign. Last evaluated: 2026-04-06. Review status: criteria provided, single submitter. Criteria: LabCorp Variant Classification Summary - May 2015. Collection method: clinical testing. Allele origin: germline.

Labcorp Genetics (formerly Invitae), Labcorp
Classification: Benign. Last evaluated: 2026-02-03. Review status: criteria provided, single submitter. Criteria: Invitae Variant Classification Sherloc (09022015). Collection method: clinical testing. Allele origin: germline.

Mayo Clinic Laboratories, Mayo Clinic
Classification: Benign. Last evaluated: 2023-02-20. Review status: criteria provided, single submitter. Criteria: ACMG Guidelines, 2015. Collection method: clinical testing. Allele origin: germline. Observed: 7 variant alleles.

Genome Diagnostics Laboratory, The Hospital for Sick Children
Classification: Benign for Ehlers-Danlos syndrome. Last evaluated: 2021-07-20. Review status: criteria provided, single submitter. Criteria: ACMG Guidelines, 2015. Collection method: clinical testing. Allele origin: germline.

Ambry Genetics
Classification: Benign for Cardiovascular phenotype. Last evaluated: 2019-01-23. Review status: criteria provided, single submitter. Criteria: Ambry Variant Classification Scheme 2023. Collection method: clinical testing. Allele origin: germline.

GeneDx
Classification: Benign. Last evaluated: 2017-01-23. Review status: criteria provided, single submitter. Criteria: GeneDx Variant Classification (06012015). Collection method: clinical testing. Allele origin: germline. Affected: yes.
Comment: This variant is considered likely benign or benign based on one or more of the following criteria: it is a conservative change, it occurs at a poorly conserved position in the protein, it is predicted to be benign by multiple in silico algorithms, and/or has population frequency not consistent with disease.

CeGaT Center for Human Genetics Tuebingen
Classification: Uncertain significance. Last evaluated: 2016-06-01. Review status: criteria provided, single submitter. Criteria: CeGaT Center For Human Genetics Tuebingen Variant Classification Criteria Version 2. Collection method: clinical testing. Allele origin: germline. Affected: yes. Observed: 1 variant allele.